The following is an entry in ClinVar:

NM_000969.5(RPL5):c.353T>C (p.Ile118Thr)

Genes: DIPK1A (divergent protein kinase domain 1A; minus strand), RPL5 (ribosomal protein L5; plus strand). Cytogenetic location: 1p22.1.
Variant type: single nucleotide variant.
Coding change: c.353T>C on transcript NM_000969.5 (MANE Select); coding-DNA position 353, T replaced by C.
Protein change: p.Ile118Thr; replaces isoleucine 118 with threonine.
Molecular consequence: missense variant. On other transcripts: intron variant (1).
Genome position (GRCh38, 1-based): chr1:92,836,218, T>C. VCF-style: chr1-92836218-T-C. GRCh37 (hg19) VCF-style: chr1-93301775-T-C.
Other names: c.475-3184A>G (NM_001252273.2); short protein forms I118T.
Identifiers: ClinVar variation 4751557 (VCV004751557.1).

ClinVar aggregate classification (germline): Uncertain significance (1 of 4 stars; one submission).

Conditions:
Diamond-Blackfan anemia. Also called: Blackfan Diamond syndrome; Aregenerative anemia chronic congenital; Red cell aplasia, pure hereditary; Congenital hypoplastic anemia; Aase syndrome. Identifiers: Orphanet 124, MedGen C1260899, MeSH D029503, MONDO:0015253, HP:0004810.

gnomAD v4.1: 1 of 1,612,880 alleles (0.000062%); highest among the groups gnomAD compares: African/African-American, 0.0013%; no homozygotes.

Submission:

Labcorp Genetics (formerly Invitae), Labcorp
Classification: Uncertain significance for Diamond-Blackfan anemia. Last evaluated: 2025-07-16. Review status: criteria provided, single submitter. Criteria: Invitae Variant Classification Sherloc (09022015). Collection method: clinical testing. Allele origin: germline.
Comment: This sequence change replaces isoleucine, which is neutral and non-polar, with threonine, which is neutral and polar, at codon 118 of the RPL5 protein (p.Ile118Thr). This variant is not present in population databases (gnomAD no frequency). This variant has not been reported in the literature in individuals affected with RPL5-related conditions. Invitae Evidence Modeling of protein sequence and biophysical properties (such as structural, functional, and spatial information, amino acid conservation, physicochemical variation, residue mobility, and thermodynamic stability) indicates that this missense variant is not expected to disrupt RPL5 protein function with a negative predictive value of 80%. In summary, the available evidence is currently insufficient to determine the role of this variant in disease. Therefore, it has been classified as a Variant of Uncertain Significance.